The following is an entry in ClinVar:

ClinVar aggregate classification (germline): Uncertain significance. Review status: criteria provided, multiple submitters, no conflicts (2 of 4 stars). 2 submissions from 2 submitters: Uncertain significance (2). Last evaluated 2025-06-09.

Conditions:
Hereditary cancer-predisposing syndrome. Also called: Neoplastic Syndromes, Hereditary; Hereditary Cancer Syndrome; Hereditary neoplastic syndrome; Tumor predisposition. Identifiers: Orphanet 140162, MedGen C0027672, MeSH D009386, MONDO:0015356.
Gastrointestinal stromal tumor. Also called: Gastrointestinal stromal tumor, somatic; Gastrointestinal stroma tumor. Identifiers: Orphanet 44890, MedGen C0238198, MeSH D046152, MONDO:0011719, OMIM 606764, HP:0100723.

Submissions (2):

Labcorp Genetics (formerly Invitae), Labcorp
Classification: Uncertain significance for Gastrointestinal stromal tumor. Last evaluated: 2025-06-09. Review status: criteria provided, single submitter. Criteria: Invitae Variant Classification Sherloc (09022015). Collection method: clinical testing. Allele origin: germline.
Comment: This sequence change replaces tyrosine, which is neutral and polar, with histidine, which is basic and polar, at codon 225 of the PDGFRA protein (p.Tyr225His). This variant is not present in population databases (gnomAD no frequency). This variant has not been reported in the literature in individuals affected with PDGFRA-related conditions. ClinVar contains an entry for this variant (Variation ID: 1011140). Invitae Evidence Modeling of protein sequence and biophysical properties (such as structural, functional, and spatial information, amino acid conservation, physicochemical variation, residue mobility, and thermodynamic stability) indicates that this missense variant is not expected to disrupt PDGFRA protein function with a negative predictive value of 80%. In summary, the available evidence is currently insufficient to determine the role of this variant in disease. Therefore, it has been classified as a Variant of Uncertain Significance.

Ambry Genetics
Classification: Uncertain significance for Hereditary cancer-predisposing syndrome. Last evaluated: 2025-01-17. Review status: criteria provided, single submitter. Criteria: Ambry Variant Classification Scheme 2023. Collection method: clinical testing. Allele origin: germline.
Comment: The p.Y225H variant (also known as c.673T>C), located in coding exon 4 of the PDGFRA gene, results from a T to C substitution at nucleotide position 673. The tyrosine at codon 225 is replaced by histidine, an amino acid with similar properties. This amino acid position is well conserved in available vertebrate species. In addition, this alteration is predicted to be tolerated by in silico analysis. Based on the available evidence, the clinical significance of this variant remains unclear.

NM_006206.6(PDGFRA):c.673T>C (p.Tyr225His)

Gene: PDGFRA (platelet derived growth factor receptor alpha; plus strand). Cytogenetic location: 4q12.
Variant type: single nucleotide variant.
Coding change: c.673T>C on transcript NM_006206.6 (MANE Select); coding-DNA position 673, T replaced by C.
Protein change: p.Tyr225His; replaces tyrosine 225 with histidine.
Molecular consequence: missense variant.
Genome position (GRCh38, 1-based): chr4:54,264,963, T>C. VCF-style: chr4-54264963-T-C. GRCh37 (hg19) VCF-style: chr4-55131130-T-C.
Other names: c.673T>C, p.Tyr225His (NM_001347827.2, NM_001347829.2); c.748T>C, p.Tyr250His (NM_001347828.2); c.712T>C, p.Tyr238His (NM_001347830.2); c.673T>C (NM_006206.4); short protein forms Y225H, Y238H, Y250H.
Identifiers: ClinVar variation 1011140 (VCV001011140.15), dbSNP rs1722953460, ClinGen allele CA356890846.